The following is an entry in ClinVar:

ClinVar aggregate classification (germline): Uncertain significance (1 of 4 stars; one submission).

Submission:

CeGaT Center for Human Genetics Tuebingen
Classification: Uncertain significance. Last evaluated: 2024-09-01. Review status: criteria provided, single submitter. Criteria: CeGaT Center For Human Genetics Tuebingen Variant Classification Criteria Version 2. Collection method: clinical testing. Allele origin: germline. Affected: yes. Observed: 2 variant alleles.
Comment: CUL1: PM2

NM_003592.3(CUL1):c.187C>T (p.Arg63Ter)

Gene: CUL1 (cullin 1; plus strand). Cytogenetic location: 7q36.1.
Variant type: single nucleotide variant.
Coding change: c.187C>T on transcript NM_003592.3 (MANE Select); coding-DNA position 187, C replaced by T.
Protein change: p.Arg63Ter; replaces arginine 63 with a stop codon.
Molecular consequence: nonsense.
Genome position (GRCh38, 1-based): chr7:148,754,022, C>T. VCF-style: chr7-148754022-C-T. GRCh37 (hg19) VCF-style: chr7-148451114-C-T.
Other names: c.187C>T, p.Arg63Ter (NM_001370660.1, NM_001370661.1, NM_001370662.1 and 2 more transcripts); short protein forms R63*.
Identifiers: ClinVar variation 3389699 (VCV003389699.14).